The following is an entry in ClinVar:

NM_003500.4(ACOX2):c.841G>A (p.Val281Ile)

Gene: ACOX2 (acyl-CoA oxidase 2; minus strand). Cytogenetic location: 3p14.3.
Variant type: single nucleotide variant.
Coding change: c.841G>A on transcript NM_003500.4 (MANE Select); coding-DNA position 841, G replaced by A.
Protein change: p.Val281Ile; replaces valine 281 with isoleucine.
Molecular consequence: missense variant.
Genome position (GRCh38, 1-based): chr3:58,530,617, C>T on the plus strand (G>A on the coding strand, the complement: ACOX2 is on the minus strand). VCF-style: chr3-58530617-C-T. GRCh37 (hg19) VCF-style: chr3-58516344-C-T.
Other names: short protein forms V281I.
Identifiers: ClinVar variation 2729651 (VCV002729651.3), dbSNP rs149888394, ClinGen allele CA2472253.
Genomic context (GRCh38, chr3:58,530,617, plus strand): 5'-GCAGCTCCACCCGCACCACCACCATGGGAAGGTAGTTGCTCTGTGCTGTACCGAGTTTGA[C>T]GTAGGTGCCATCTGGCAAGACCTGTGTGGAACAAGGACGGGCACAAGTTCTGGGCCAAGG-3'
Protein context (NP_003491.1, residues 271-291): FAQVLPDGTY[Val281Ile]KLGTAQSNYL

ClinVar aggregate classification (germline): Uncertain significance (1 of 4 stars; one submission).

Allele frequency attached by ClinVar (database versions not stated): gnomAD 0.00013; ESP Exome Variant Server 0.00015; gnomAD exomes 0.00016; TOPMed 0.00016; ExAC 0.00026; 1000 Genomes Project 30x 0.00031; 1000 Genomes Project 0.00040.
gnomAD v4.1: 269 of 1,614,156 alleles (0.017%); highest among the groups gnomAD compares: South Asian, 0.094%; 1 homozygote.

Submission:

Labcorp Genetics (formerly Invitae), Labcorp
Classification: Uncertain significance. Last evaluated: 2024-11-28. Review status: criteria provided, single submitter. Criteria: Invitae Variant Classification Sherloc (09022015). Collection method: clinical testing. Allele origin: germline.
Comment: This sequence change replaces valine, which is neutral and non-polar, with isoleucine, which is neutral and non-polar, at codon 281 of the ACOX2 protein (p.Val281Ile). This variant is present in population databases (rs149888394, gnomAD 0.1%), and has an allele count higher than expected for a pathogenic variant. This variant has not been reported in the literature in individuals affected with ACOX2-related conditions. ClinVar contains an entry for this variant (Variation ID: 2729651). Invitae Evidence Modeling of protein sequence and biophysical properties (such as structural, functional, and spatial information, amino acid conservation, physicochemical variation, residue mobility, and thermodynamic stability) indicates that this missense variant is not expected to disrupt ACOX2 protein function with a negative predictive value of 80%. In summary, the available evidence is currently insufficient to determine the role of this variant in disease. Therefore, it has been classified as a Variant of Uncertain Significance.